The following is an entry in ClinVar:

ClinVar aggregate classification (germline): Uncertain significance. Review status: criteria provided, multiple submitters, no conflicts (2 of 4 stars). 3 submissions from 3 submitters: Uncertain significance (3). Last evaluated 2020-08-25.

Conditions:
Cardiovascular phenotype. Identifiers: MedGen CN230736.

Allele frequency attached by ClinVar (database versions not stated): TOPMed below 0.00001; ExAC 0.00001; gnomAD 0.00001; gnomAD exomes 0.00001.
gnomAD v4.1: 17 of 1,611,368 alleles (0.0011%); highest among the groups gnomAD compares: South Asian, 0.0022%; no homozygotes.

Submissions (3):

Ambry Genetics
Classification: Uncertain significance for Cardiovascular phenotype. Last evaluated: 2020-08-25. Review status: criteria provided, single submitter. Criteria: Ambry Variant Classification Scheme 2023. Collection method: clinical testing. Allele origin: germline.
Comment: The p.R4954C variant (also known as c.14860C>T), located in coding exon 56 of the TTN gene, results from a C to T substitution at nucleotide position 14860. The arginine at codon 4954 is replaced by cysteine, an amino acid with highly dissimilar properties. This amino acid position is highly conserved in available vertebrate species. In addition, the in silico prediction for this alteration is inconclusive. Since supporting evidence is limited at this time, the clinical significance of this alteration remains unclear.

Athena Diagnostics
Classification: Uncertain significance. Last evaluated: 2018-07-10. Review status: criteria provided, single submitter. Criteria: Athena Diagnostics Criteria. Collection method: clinical testing. Allele origin: germline.

GeneDx
Classification: Uncertain significance. Last evaluated: 2014-05-22. Review status: criteria provided, single submitter. Criteria: GeneDx Variant Classification (06012015). Collection method: clinical testing. Allele origin: germline. Affected: yes.
Comment: Missense variants in the TTN gene are considered 'unclassified' if they are not previously reported in the literature and do not have >1% frequency in the population to be considered a polymorphism. Research indicates that truncating mutations in the TTN gene are expected to account for approximately 25% of familial and 18% of sporadic idiopathic DCM; however, truncating variants in the TTN gene have been reported in approximately 3% of reported control alleles. There has been little investigation into non-truncating variants. (Herman D et al. Truncations of titin causing dilated cardiomyopathy. N Eng J Med 366:619-628, 2012) The variant is found in CARDIOMYOPATHY panel(s).

NM_001267550.2(TTN):c.42055C>T (p.Arg14019Cys)

Gene: TTN (titin; minus strand). Cytogenetic location: 2q31.2.
Variant type: single nucleotide variant.
Coding change: c.42055C>T on transcript NM_001267550.2 (MANE Select); coding-DNA position 42055, C replaced by T.
Protein change: p.Arg14019Cys; replaces arginine 14019 with cysteine.
Molecular consequence: missense variant.
Genome position (GRCh38, 1-based): chr2:178,634,819, G>A on the plus strand (C>T on the coding strand, the complement: TTN is on the minus strand). VCF-style: chr2-178634819-G-A. GRCh37 (hg19) VCF-style: chr2-179499546-G-A.
Other names: p.R12378C:CGC>TGC; c.42055C>T (LRG_391t1); c.37132C>T, p.Arg12378Cys (NM_001256850.1); c.14860C>T, p.Arg4954Cys (NM_003319.4); c.34351C>T, p.Arg11451Cys (NM_133378.4); c.15235C>T, p.Arg5079Cys (NM_133432.3); c.15436C>T, p.Arg5146Cys (NM_133437.4); short protein forms R12378C, R14019C, R11451C, R5146C, R4954C, R5079C.
Identifiers: ClinVar variation 202622 (VCV000202622.4), dbSNP rs763499817, ClinGen allele CA309784.